The following is an entry in ClinVar:

ClinVar aggregate classification (germline): Uncertain significance (1 of 4 stars; one submission).

gnomAD v4.1: 1 of 1,613,582 alleles (0.000062%); highest among the groups gnomAD compares: African/African-American, 0.0013%; no homozygotes.

Submission:

GeneDx
Classification: Uncertain significance. Last evaluated: 2023-07-18. Review status: criteria provided, single submitter. Criteria: GeneDx Variant Classification Process June 2021. Collection method: clinical testing. Allele origin: germline. Affected: yes.
Comment: Not observed at significant frequency in large population cohorts (gnomAD); In silico analysis supports that this missense variant has a deleterious effect on protein structure/function; Has not been previously published as pathogenic or benign to our knowledge

NM_004974.4(KCNA2):c.438G>C (p.Gln146His)

Gene: KCNA2 (potassium voltage-gated channel subfamily A member 2; minus strand). Cytogenetic location: 1p13.3.
Variant type: single nucleotide variant.
Coding change: c.438G>C on transcript NM_004974.4 (MANE Select); coding-DNA position 438, G replaced by C.
Protein change: p.Gln146His; replaces glutamine 146 with histidine.
Molecular consequence: missense variant.
Genome position (GRCh38, 1-based): chr1:110,604,345, C>G on the plus strand (G>C on the coding strand, the complement: KCNA2 is on the minus strand). VCF-style: chr1-110604345-C-G. GRCh37 (hg19) VCF-style: chr1-111146967-C-G.
Other names: c.438G>C, p.Gln146His (NM_001204269.2); short protein forms Q146H.
Identifiers: ClinVar variation 3361263 (VCV003361263.1).